The following is an entry in ClinVar:

NM_013975.4(LIG3):c.722C>T (p.Ser241Leu)

Gene: LIG3 (DNA ligase 3; plus strand). Cytogenetic location: 17q12.
Variant type: single nucleotide variant.
Coding change: c.722C>T on transcript NM_013975.4 (MANE Select); coding-DNA position 722, C replaced by T.
Protein change: p.Ser241Leu; replaces serine 241 with leucine.
Molecular consequence: missense variant.
Genome position (GRCh38, 1-based): chr17:34,989,496, C>T. VCF-style: chr17-34989496-C-T. GRCh37 (hg19) VCF-style: chr17-33316515-C-T.
Other names: c.722C>T, p.Ser241Leu (NM_002311.5); short protein forms S241L.
Identifiers: ClinVar variation 987864 (VCV000987864.2), dbSNP rs201814781, ClinGen allele CA8498161.
Genomic context (GRCh38, chr17:34,989,496, plus strand): 5'-ATGAATTCATCTCTGTTGTTTCTCCAACAGCCAAGCCCAACAACTCTGGGGAAGCCCCCT[C>T]GAGCCCCACCCCTAAGAGAAGTCTGTCTTCAAGCAAATGTGACCCCAGGCATAAGGACTG-3'
Protein context (NP_039269.2, residues 231-251): AKPNNSGEAP[Ser241Leu]SPTPKRSLSS

ClinVar aggregate classification (germline): Likely benign. Review status: criteria provided, multiple submitters, no conflicts (2 of 4 stars). 2 submissions from 2 submitters: Likely benign (2). Last evaluated 2020-11-02.

Allele frequency attached by ClinVar (database versions not stated): 1000 Genomes Project 30x 0.00016; TOPMed 0.00016; gnomAD 0.00018 and 0.00019; 1000 Genomes Project 0.00020; ESP Exome Variant Server 0.00031.
gnomAD v4.1: 241 of 1,614,050 alleles (0.015%); highest among the groups gnomAD compares: Middle Eastern, 0.15%; no homozygotes.

Submissions (2):

Women's Health and Genetics/Laboratory Corporation of America, LabCorp
Classification: Likely benign. Last evaluated: 2020-11-02. Review status: criteria provided, single submitter. Criteria: LabCorp Variant Classification Summary - May 2015. Collection method: clinical testing. Allele origin: germline.
Comment: Variant summary: LIG3 c.722C>T (p.Ser241Leu) results in a non-conservative amino acid change in the encoded protein sequence. Three of five in-silico tools predict a benign effect of the variant on protein function. The variant allele was found at a frequency of 0.00022 in 251272 control chromosomes. The observed variant frequency is approximately 65.7- fold the estimated maximal expected allele frequency for a pathogenic variant in LIG3 causing Long QT Syndrome phenotype (3.3e-06), strongly suggesting that the variant is benign. To our knowledge, no occurrence of c.722C>T in individuals affected with Long QT Syndrome and no experimental evidence demonstrating its impact on protein function have been reported. No clinical diagnostic laboratories have submitted clinical-significance assessments for this variant to ClinVar after 2014. Based on the evidence outlined above, the variant was classified as likely benign.

Breakthrough Genomics
Classification: Likely benign. Review status: criteria provided, single submitter. Criteria: ACMG Guidelines, 2015. Collection method: not provided. Allele origin: germline. Inheritance: Autosomal recessive inheritance. Affected: yes.